The following is an entry in ClinVar:

NM_000535.7(PMS2):c.2541G>T (p.Arg847Ser)

Gene: PMS2 (PMS1 homolog 2, mismatch repair system component; minus strand). Cytogenetic location: 7p22.1.
Variant type: single nucleotide variant.
Coding change: c.2541G>T on transcript NM_000535.7 (MANE Select); coding-DNA position 2541, G replaced by T.
Protein change: p.Arg847Ser; replaces arginine 847 with serine.
Molecular consequence: missense variant. On other transcripts: non-coding transcript variant (1).
Genome position (GRCh38, 1-based): chr7:5,973,447, C>A on the plus strand (G>T on the coding strand, the complement: PMS2 is on the minus strand). VCF-style: chr7-5973447-C-A. GRCh37 (hg19) VCF-style: chr7-6013078-C-A.
Other names: c.2136G>T, p.Arg712Ser (NM_001322003.2, NM_001322004.2, NM_001322005.2); c.2385G>T, p.Arg795Ser (NM_001322006.2); c.2223G>T, p.Arg741Ser (NM_001322007.2, NM_001322008.2); c.2169G>T, p.Arg723Ser (NM_001322009.2); c.1980G>T, p.Arg660Ser (NM_001322010.2); c.1608G>T, p.Arg536Ser (NM_001322011.2, NM_001322012.2); c.1968G>T, p.Arg656Ser (NM_001322013.2); c.2574G>T, p.Arg858Ser (NM_001322014.2); and 1 more; short protein forms R536S, R656S, R660S, R712S, R723S, R741S, R744S, R795S.
Identifiers: ClinVar variation 1050838 (VCV001050838.3), dbSNP rs2128657332, ClinGen allele CA366734833.

ClinVar aggregate classification (germline): Uncertain significance. Review status: criteria provided, multiple submitters, no conflicts (2 of 4 stars). 2 submissions from 2 submitters: Uncertain significance (2). Last evaluated 2025-07-07.

Conditions:
Hereditary cancer-predisposing syndrome. Also called: Tumor predisposition; Hereditary neoplastic syndrome; Hereditary Cancer Syndrome; Neoplastic Syndromes, Hereditary. Identifiers: Orphanet 140162, MedGen C0027672, MeSH D009386, MONDO:0015356.

Submissions (2):

Women's Health and Genetics/Laboratory Corporation of America, LabCorp
Classification: Uncertain significance. Last evaluated: 2025-07-07. Review status: criteria provided, single submitter. Criteria: LabCorp Variant Classification Summary - May 2015. Collection method: clinical testing. Allele origin: germline.
Comment: Variant summary: PMS2 c.2541G>T (p.Arg847Ser) results in a non-conservative amino acid change in the encoded protein sequence. Algorithms developed to predict the effect of missense changes on protein structure and function all suggest that this variant is likely to be disruptive. The variant was absent in 187528 control chromosomes (gnomAD). The available data on variant occurrences in the general population are insufficient to allow any conclusion about variant significance. c.2541G>T has been observed in individuals affected with with colorectal cancer (Rey_2017, Wang_2020). These reports do not provide unequivocal conclusions about association of the variant with Hereditary Nonpolyposis Colorectal Cancer. To our knowledge, no experimental evidence demonstrating an impact on protein function has been reported. The following publications have been ascertained in the context of this evaluation (PMID: 28502729, 31992580). ClinVar contains an entry for this variant (Variation ID: 1050838). Based on the evidence outlined above, the variant was classified as uncertain significance.

Color Diagnostics, LLC DBA Color Health
Classification: Uncertain significance for Hereditary cancer-predisposing syndrome. Last evaluated: 2024-07-08. Review status: criteria provided, single submitter. Criteria: ACMG Guidelines, 2015. Collection method: clinical testing. Allele origin: germline.
Comment: This missense variant replaces arginine with serine at codon 847 of the PMS2 protein. Computational prediction suggests that this variant may have deleterious impact on protein structure and function (internally defined REVEL score threshold >= 0.7, PMID: 27666373). To our knowledge, functional studies have not been reported for this variant. This variant has been reported in an individual affected with early onset colorectal cancer, whose tumor showed loss of MLH1 and PMS2 protein via immunohistochemistry analysis (PMID: 31992580), and in an individual referred for colorectal cancer predisposition screening (PMID: 28502729). This variant has not been identified in the general population by the Genome Aggregation Database (gnomAD). The available evidence is insufficient to determine the role of this variant in disease conclusively. Therefore, this variant is classified as a Variant of Uncertain Significance.

Literature cited by the submitters: PubMed 28502729 (cited by Women's Health and Genetics/Laboratory Corporation of America, LabCorp and Color Diagnostics, LLC DBA Color Health); PubMed 31992580 (cited by Women's Health and Genetics/Laboratory Corporation of America, LabCorp and Color Diagnostics, LLC DBA Color Health).